The following is an entry in ClinVar:

NM_004817.4(TJP2):c.428T>C (p.Met143Thr)

Gene: TJP2 (tight junction protein 2; plus strand). Cytogenetic location: 9q21.11.
Variant type: single nucleotide variant.
Coding change: c.428T>C on transcript NM_004817.4 (MANE Select); coding-DNA position 428, T replaced by C.
Protein change: p.Met143Thr; replaces methionine 143 with threonine.
Molecular consequence: missense variant.
Genome position (GRCh38, 1-based): chr9:69,220,972, T>C. VCF-style: chr9-69220972-T-C. GRCh37 (hg19) VCF-style: chr9-71835888-T-C.
Other names: c.359T>C, p.Met120Thr (NM_001170414.2, NM_001369870.1, NM_001369871.1); c.440T>C, p.Met147Thr (NM_001170415.1, NM_001369874.1, NM_001369875.1); c.521T>C, p.Met174Thr (NM_001170416.2); c.428T>C, p.Met143Thr (NM_001369872.1, NM_001369873.1, NM_201629.3); c.428T>C (NM_004817.3); short protein forms M120T, M143T, M147T, M174T.
Identifiers: ClinVar variation 1698755 (VCV001698755.3), dbSNP rs1011824757, ClinGen allele CA193352816.

ClinVar aggregate classification (germline): Uncertain significance. Review status: criteria provided, multiple submitters, no conflicts (2 of 4 stars). 2 submissions from 2 submitters: Uncertain significance (2). Last evaluated 2022-10-04.

Conditions:
Cholestasis, progressive familial intrahepatic, 4. Identifiers: Orphanet 480483, Orphanet 79304, MedGen C2931067, MONDO:0014381, OMIM 615878.

Allele frequency attached by ClinVar (database versions not stated): gnomAD 0.00003; TOPMed 0.00003; gnomAD exomes 0.00004 and 0.00001.

Submissions (2):

GeneDx
Classification: Uncertain significance. Last evaluated: 2022-10-04. Review status: criteria provided, single submitter. Criteria: GeneDx Variant Classification Process June 2021. Collection method: clinical testing. Allele origin: germline. Affected: yes.
Comment: In silico analysis supports that this missense variant does not alter protein structure/function; Has not been previously published as pathogenic or benign to our knowledge

Genetics and Molecular Pathology, SA Pathology
Classification: Uncertain significance for Cholestasis, progressive familial intrahepatic, 4. Last evaluated: 2020-02-10. Review status: criteria provided, single submitter. Criteria: ACMG Guidelines, 2015. Collection method: clinical testing. Allele origin: germline. Inheritance: Autosomal recessive inheritance. Affected: yes.
Comment: BP4